The following is an entry in ClinVar:

ClinVar aggregate classification (germline): Uncertain significance. Review status: criteria provided, multiple submitters, no conflicts (2 of 4 stars). 4 submissions from 4 submitters: Uncertain significance (3). 1 of the submissions does not count toward it. Last evaluated 2025-06-20.

Conditions:
Focal segmental glomerulosclerosis 4, susceptibility to (FSGS4). Identifiers: Orphanet 84271, MedGen C2675525, MONDO:0012931, OMIM 612551.

Allele frequency attached by ClinVar (database versions not stated): gnomAD exomes 0.00004 and 0.00009; ExAC 0.00010; 1000 Genomes Project 0.00020; TOPMed 0.00028; 1000 Genomes Project 30x 0.00031; ESP Exome Variant Server 0.00031; gnomAD 0.00032 and 0.00036.

Submissions (4):

Labcorp Genetics (formerly Invitae), Labcorp
Classification: Uncertain significance. Last evaluated: 2025-06-20. Review status: criteria provided, single submitter. Criteria: Invitae Variant Classification Sherloc (09022015). Collection method: clinical testing. Allele origin: germline.
Comment: This sequence change replaces leucine, which is neutral and non-polar, with arginine, which is basic and polar, at codon 266 of the APOL1 protein (p.Leu266Arg). This variant is present in population databases (rs142955744, gnomAD 0.1%). This variant has not been reported in the literature in individuals affected with APOL1-related conditions. ClinVar contains an entry for this variant (Variation ID: 1045474). An algorithm developed to predict the effect of missense changes on protein structure and function (PolyPhen-2) suggests that this variant is likely to be disruptive. In summary, the available evidence is currently insufficient to determine the role of this variant in disease. Therefore, it has been classified as a Variant of Uncertain Significance.

Blueprint Genetics
Classification: Uncertain significance. Last evaluated: 2024-09-16. Review status: criteria provided, single submitter. Criteria: ACMG Guidelines, 2015. Collection method: clinical testing. Allele origin: germline.

Fulgent Genetics
Classification: Uncertain significance for Focal segmental glomerulosclerosis 4, susceptibility to. Last evaluated: 2022-01-13. Review status: criteria provided, single submitter. Criteria: ACMG Guidelines, 2015. Collection method: clinical testing. Allele origin: unknown.

Department of Pathology and Laboratory Medicine, Sinai Health System
Classification: Uncertain significance. Review status: no assertion criteria provided. Collection method: clinical testing. Allele origin: unknown. Affected: yes. Study: The Canadian Open Genetics Repository (COGR). Not counted in ClinVar's aggregate classification.
Comment: The APOL1 p.Leu248Arg variant was not identified in the literature nor was it identified in ClinVar, Cosmic or LOVD 3.0. The variant was identified in dbSNP (ID: rs142955744) and in control databases in 29 of 265872 chromosomes at a frequency of 0.000109 (Genome Aggregation Database Feb 27, 2017). The variant was observed in the following populations: African in 27 of 24766 chromosomes (freq: 0.00109), Other in 1 of 6758 chromosomes (freq: 0.000148) and European (non-Finnish) in 1 of 122560 chromosomes (freq: 0.000008), but not in the Latino, Ashkenazi Jewish, East Asian, European (Finnish) or South Asian populations. The p.Leu248 residue is not conserved in mammals and computational analyses (PolyPhen-2, SIFT, AlignGVGD, BLOSUM, MutationTaster) provide inconsistent predictions regarding the impact to the protein; this information is not very predictive of pathogenicity. The variant occurs outside of the splicing consensus sequence and 3 of 4 in silico or computational prediction software programs (SpliceSiteFinder, MaxEntScan, GeneSplicer) do not predict a difference in splicing. In summary, based on the above information the clinical significance of this variant cannot be determined with certainty at this time. This variant is classified as a variant of uncertain significance.

NM_003661.4(APOL1):c.797T>G (p.Leu266Arg)

Gene: APOL1 (apolipoprotein L1; plus strand). Cytogenetic location: 22q12.3.
Variant type: single nucleotide variant.
Coding change: c.797T>G on transcript NM_003661.4 (MANE Select); coding-DNA position 797, T replaced by G.
Protein change: p.Leu266Arg; replaces leucine 266 with arginine.
Molecular consequence: missense variant.
Genome position (GRCh38, 1-based): chr22:36,265,633, T>G. VCF-style: chr22-36265633-T-G. GRCh37 (hg19) VCF-style: chr22-36661679-T-G.
Other names: c.797T>G, p.Leu266Arg (NM_001136540.2); c.743T>G, p.Leu248Arg (NM_001136541.2, NM_001362927.2); c.845T>G, p.Leu282Arg (NM_145343.3); short protein forms L266R, L248R, L282R.
Identifiers: ClinVar variation 1045474 (VCV001045474.10), dbSNP rs142955744, ClinGen allele CA10208754.